The following is an entry in ClinVar:

ClinVar aggregate classification (germline): Uncertain significance. Review status: criteria provided, multiple submitters, no conflicts (2 of 4 stars). 3 submissions from 3 submitters: Uncertain significance (3). Last evaluated 2024-08-30.

Allele frequency attached by ClinVar (database versions not stated): TOPMed 0.00005; 1000 Genomes Project 30x 0.00094; 1000 Genomes Project 0.00120.
gnomAD v4.1: 56 of 1,613,930 alleles (0.0035%); highest among the groups gnomAD compares: East Asian, 0.058%; no homozygotes.

Submissions (3):

Blueprint Genetics
Classification: Uncertain significance. Last evaluated: 2024-08-30. Review status: criteria provided, single submitter. Criteria: ACMG Guidelines, 2015. Collection method: clinical testing. Allele origin: germline.

GeneDx
Classification: Uncertain significance. Last evaluated: 2022-09-06. Review status: criteria provided, single submitter. Criteria: GeneDx Variant Classification Process June 2021. Collection method: clinical testing. Allele origin: germline. Affected: yes.
Comment: Reported in a child with PCD who harbored a second DNAH9 variant on the opposite allele (in trans); the authors used in vitro analysis to demonstrate that both variants result in reduced protein expression compared to wild type (Zheng et al., 2022); In silico analysis supports that this missense variant has a deleterious effect on protein structure/function; This variant is associated with the following publications: (PMID: 35729109)

Labcorp Genetics (formerly Invitae), Labcorp
Classification: Uncertain significance. Last evaluated: 2022-04-15. Review status: criteria provided, single submitter. Criteria: Invitae Variant Classification Sherloc (09022015). Collection method: clinical testing. Allele origin: germline.
Comment: This sequence change replaces arginine, which is basic and polar, with glutamine, which is neutral and polar, at codon 2144 of the DNAH9 protein (p.Arg2144Gln). This variant is present in population databases (rs118160421, gnomAD 0.1%). This variant has not been reported in the literature in individuals affected with DNAH9-related conditions. Algorithms developed to predict the effect of missense changes on protein structure and function are either unavailable or do not agree on the potential impact of this missense change (SIFT: "Deleterious"; PolyPhen-2: "Probably Damaging"; Align-GVGD: "Class C0"). Algorithms developed to predict the effect of sequence changes on RNA splicing suggest that this variant may create or strengthen a splice site. In summary, the available evidence is currently insufficient to determine the role of this variant in disease. Therefore, it has been classified as a Variant of Uncertain Significance.

NM_001372.4(DNAH9):c.6431G>A (p.Arg2144Gln)

Gene: DNAH9 (dynein axonemal heavy chain 9; plus strand). Cytogenetic location: 17p12.
Variant type: single nucleotide variant.
Coding change: c.6431G>A on transcript NM_001372.4 (MANE Select); coding-DNA position 6431, G replaced by A.
Protein change: p.Arg2144Gln; replaces arginine 2144 with glutamine.
Molecular consequence: missense variant.
Genome position (GRCh38, 1-based): chr17:11,747,587, G>A. VCF-style: chr17-11747587-G-A. GRCh37 (hg19) VCF-style: chr17-11650904-G-A.
Other names: c.6431G>A (NM_001372.3); short protein forms R2144Q.
Identifiers: ClinVar variation 2172299 (VCV002172299.3), dbSNP rs118160421, ClinGen allele CA8396315.
Genomic context (GRCh38, chr17:11,747,587, plus strand): 5'-CCCTCTGGCTGAATTTCCTGCCTCCTCAGGTGGTCCAGCTGGAGGAGCTCCTGGCTGTGC[G>A]GCACTCTGTATTTGTGGTGGGTGGCGCTGGTACCGGCAAGTCACAGGTGCTGAGGTCCTT-3'
Protein context (NP_001363.2, residues 2134-2154): VVQLEELLAV[Arg2144Gln]HSVFVVGGAG